The following is an entry in ClinVar:

NM_015001.3(SPEN):c.5399C>T (p.Pro1800Leu)

Gene: SPEN (spen family transcriptional repressor; plus strand). Cytogenetic location: 1p36.13.
Variant type: single nucleotide variant.
Coding change: c.5399C>T on transcript NM_015001.3 (MANE Select); coding-DNA position 5399, C replaced by T.
Protein change: p.Pro1800Leu; replaces proline 1800 with leucine.
Molecular consequence: missense variant.
Genome position (GRCh38, 1-based): chr1:15,931,639, C>T. VCF-style: chr1-15931639-C-T. GRCh37 (hg19) VCF-style: chr1-16258134-C-T.
Other names: short protein forms P1800L.
Identifiers: ClinVar variation 2480267 (VCV002480267.2), dbSNP rs1381948969, ClinGen allele CA338626856.

ClinVar aggregate classification (germline): Uncertain significance (1 of 4 stars; one submission).

Conditions:
Inborn genetic diseases. Identifiers: MedGen C0950123, MeSH D030342.

Allele frequency attached by ClinVar (database versions not stated): gnomAD exomes below 0.00001.
gnomAD v4.1: 1 of 1,614,222 alleles (0.000062%); highest among the groups gnomAD compares: Admixed American, 0.0017%; no homozygotes.

Submission:

Ambry Genetics
Classification: Uncertain significance for Inborn genetic diseases. Last evaluated: 2023-03-10. Review status: criteria provided, single submitter. Criteria: Ambry Variant Classification Scheme 2023. Collection method: clinical testing. Allele origin: germline.
Comment: The c.5399C>T (p.P1800L) alteration is located in exon 11 (coding exon 11) of the SPEN gene. This alteration results from a C to T substitution at nucleotide position 5399, causing the proline (P) at amino acid position 1800 to be replaced by a leucine (L). Based on data from gnomAD, the T allele has an overall frequency of <0.001% (1/251432) total alleles studied. The highest observed frequency was 0.003% (1/34568) of Latino alleles. This amino acid position is not well conserved in available vertebrate species. This alteration is predicted to be tolerated by in silico analysis. Based on insufficient or conflicting evidence, the clinical significance of this alteration remains unclear.